The following is an entry in ClinVar:

ClinVar aggregate classification (germline): Uncertain significance (1 of 4 stars; one submission).

Conditions:
Nemaline myopathy 2 (NEM2). Also called: Nemaline myopathy 2, autosomal recessive. Identifiers: MedGen C1850569, MONDO:0009725, OMIM 256030.

Submission:

Labcorp Genetics (formerly Invitae), Labcorp
Classification: Uncertain significance for Nemaline myopathy 2. Last evaluated: 2021-08-15. Review status: criteria provided, single submitter. Criteria: Invitae Variant Classification Sherloc (09022015). Collection method: clinical testing. Allele origin: germline.
Comment: This sequence change replaces proline with leucine at codon 5972 of the NEB protein (p.Pro5972Leu). The proline residue is moderately conserved and there is a moderate physicochemical difference between proline and leucine. In summary, the available evidence is currently insufficient to determine the role of this variant in disease. Therefore, it has been classified as a Variant of Uncertain Significance. Algorithms developed to predict the effect of missense changes on protein structure and function are either unavailable or do not agree on the potential impact of this missense change (SIFT: "Deleterious"; PolyPhen-2: "Not Available"; Align-GVGD: "Class C0"). This variant has not been reported in the literature in individuals affected with NEB-related conditions. This variant is not present in population databases (ExAC no frequency).

NM_001164508.2(NEB):c.17915C>T (p.Pro5972Leu)

Gene: NEB (nebulin; minus strand). Cytogenetic location: 2q23.3.
Variant type: single nucleotide variant.
Coding change: c.17915C>T on transcript NM_001164508.2 (MANE Select); coding-DNA position 17915, C replaced by T.
Protein change: p.Pro5972Leu; replaces proline 5972 with leucine.
Molecular consequence: missense variant.
Genome position (GRCh38, 1-based): chr2:151,567,409, G>A on the plus strand (C>T on the coding strand, the complement: NEB is on the minus strand). VCF-style: chr2-151567409-G-A. GRCh37 (hg19) VCF-style: chr2-152423923-G-A.
Other names: c.17915C>T, p.Pro5972Leu (NM_001271208.2, NM_001164507.2); c.12812C>T, p.Pro4271Leu (NM_004543.5); short protein forms P4271L, P5972L.
Identifiers: ClinVar variation 1375175 (VCV001375175.6), dbSNP rs4327235, ClinGen allele CA57660434.